The following is an entry in ClinVar:

ClinVar aggregate classification (germline): Likely pathogenic (1 of 4 stars; one submission).

Conditions:
Muscular dystrophy-dystroglycanopathy (congenital with brain and eye anomalies), type A2. Also called: MUSCULAR DYSTROPHY-DYSTROGLYCANOPATHY (CONGENITAL WITH BRAIN AND EYE ANOMALIES), TYPE A, 2; WALKER-WARBURG SYNDROME OR MUSCLE-EYE-BRAIN DISEASE, POMT2-RELATED. Identifiers: Orphanet 588, Orphanet 899, MedGen C3150411, MONDO:0013154, OMIM 613150.
Muscular dystrophy-dystroglycanopathy (congenital with impaired intellectual development), type B, 2. Also called: Muscular dystrophy-dystroglycanopathy (congenital with intellectual disability), type B2; MUSCULAR DYSTROPHY, CONGENITAL, POMT2-RELATED. Identifiers: MedGen C3150416, MONDO:0013160, OMIM 613156.
Autosomal recessive limb-girdle muscular dystrophy type 2N. Also called: MUSCULAR DYSTROPHY-DYSTROGLYCANOPATHY, LIMB-GIRDLE, POMT2-RELATED; Muscular dystrophy-dystroglycanopathy (limb-girdle), type C, 2. Identifiers: Orphanet 206559, MedGen C3150418, MONDO:0013162, OMIM 613158.

Submission:

Labcorp Genetics (formerly Invitae), Labcorp
Classification: Likely pathogenic for Muscular dystrophy-dystroglycanopathy (congenital with impaired intellectual development), type B, 2; Muscular dystrophy-dystroglycanopathy (congenital with brain and eye anomalies), type A2; Autosomal recessive limb-girdle muscular dystrophy type 2N. Last evaluated: 2023-06-29. Review status: criteria provided, single submitter. Criteria: Invitae Variant Classification Sherloc (09022015). Collection method: clinical testing. Allele origin: unknown.
Comment: In summary, the currently available evidence indicates that the variant is pathogenic, but additional data are needed to prove that conclusively. Therefore, this variant has been classified as Likely Pathogenic. This variant disrupts a region of the POMT2 protein in which other variant(s) (p.Gln370Lys) have been observed in individuals with POMT2-related conditions (Invitae). This suggests that this is a clinically significant region of the protein, and that variants that disrupt it are likely to be disease-causing. This variant has not been reported in the literature in individuals affected with POMT2-related conditions. This variant results in the deletion of exon 9 and part of exon 10 (c.1007-1106_1180del) of the POMT2 gene. It is expected to disrupt RNA splicing. Variants that disrupt the donor or acceptor splice site typically lead to a loss of protein function (PMID: 16199547), and loss-of-function variants in POMT2 are known to be pathogenic (PMID: 15894594).

Literature cited by the submitters: PubMed 16199547; PubMed 15894594.

NC_000014.8:g.(?_77757660)_(77763722_?)del

Gene: POMT2 (protein O-mannosyltransferase 2; minus strand). Cytogenetic location: 14q24.3.
Variant type: Deletion.
Identifiers: ClinVar variation 3244013 (VCV003244013.1).